The following is an entry in ClinVar:

NM_018896.5(CACNA1G):c.59T>C (p.Met20Thr)

Genes: CACNA1G (calcium voltage-gated channel subunit alpha1 G; plus strand), CACNA1G-AS1 (CACNA1G antisense RNA 1; minus strand). Cytogenetic location: 17q21.33.
Variant type: single nucleotide variant.
Coding change: c.59T>C on transcript NM_018896.5 (MANE Select); coding-DNA position 59, T replaced by C.
Protein change: p.Met20Thr; replaces methionine 20 with threonine.
Molecular consequence: missense variant. On other transcripts: non-coding transcript variant (5).
Genome position (GRCh38, 1-based): chr17:50,561,518, T>C. VCF-style: chr17-50561518-T-C. GRCh37 (hg19) VCF-style: chr17-48638879-T-C.
Other names: c.59T>C, p.Met20Thr (NM_001256326.2, NM_001256327.2, NM_001256328.2 and 24 more transcripts); short protein forms M20T.
Identifiers: ClinVar variation 1712620 (VCV001712620.3), dbSNP rs1219518565, ClinGen allele CA400221449.

ClinVar aggregate classification (germline): Uncertain significance (1 of 4 stars; one submission).

gnomAD v4.1: 3 of 1,536,926 alleles (0.0002%); highest among the groups gnomAD compares: South Asian, 0.0012%; no homozygotes.

Submission:

GeneDx
Classification: Uncertain significance. Last evaluated: 2023-07-07. Review status: criteria provided, single submitter. Criteria: GeneDx Variant Classification Process June 2021. Collection method: clinical testing. Allele origin: germline.
Comment: Not observed at significant frequency in large population cohorts (gnomAD); In silico analysis supports that this missense variant does not alter protein structure/function; Has not been previously published as pathogenic or benign to our knowledge